The following is an entry in ClinVar:

ClinVar aggregate classification (germline): Conflicting classifications of pathogenicity. Review status: criteria provided, conflicting classifications (1 of 4 stars). 8 submissions from 8 submitters: Uncertain significance (1); Likely benign (7). Last evaluated 2026-02-02.

Conditions:
Cardiovascular phenotype. Identifiers: MedGen CN230736.
Ehlers-Danlos syndrome (EDS). Identifiers: Orphanet 98249, MedGen C0013720, MONDO:0020066.

Allele frequency attached by ClinVar (database versions not stated): gnomAD exomes 0.00012 and 0.00024; TOPMed 0.00012; gnomAD 0.00016; ExAC 0.00007.
gnomAD v4.1: 365 of 1,547,942 alleles (0.024%); highest among the groups gnomAD compares: Non-Finnish European, 0.029%; no homozygotes.

Submissions (8):

Women's Health and Genetics/Laboratory Corporation of America, LabCorp
Classification: Likely benign. Last evaluated: 2026-02-02. Review status: criteria provided, single submitter. Criteria: LabCorp Variant Classification Summary - May 2015. Collection method: clinical testing. Allele origin: germline.

Labcorp Genetics (formerly Invitae), Labcorp
Classification: Likely benign. Last evaluated: 2026-01-31. Review status: criteria provided, single submitter. Criteria: Invitae Variant Classification Sherloc (09022015). Collection method: clinical testing. Allele origin: germline.

CeGaT Center for Human Genetics Tuebingen
Classification: Likely benign. Last evaluated: 2025-07-01. Review status: criteria provided, single submitter. Criteria: CeGaT Center For Human Genetics Tuebingen Variant Classification Criteria Version 2. Collection method: clinical testing. Allele origin: germline. Affected: yes. Observed: 1 variant allele.
Comment: ZNF469: BP4, BP7

Mayo Clinic Laboratories, Mayo Clinic
Classification: Likely benign. Last evaluated: 2025-05-19. Review status: criteria provided, single submitter. Criteria: ACMG Guidelines, 2015. Collection method: clinical testing. Allele origin: germline. Observed: 1 variant allele.
Comment: BS1, BP4, BP7

Blueprint Genetics
Classification: Likely benign. Last evaluated: 2024-04-18. Review status: criteria provided, single submitter. Criteria: ACMG Guidelines, 2015. Collection method: clinical testing. Allele origin: germline.

Genome Diagnostics Laboratory, The Hospital for Sick Children
Classification: Uncertain significance for Ehlers-Danlos syndrome. Last evaluated: 2021-02-22. Review status: criteria provided, single submitter. Criteria: ACMG Guidelines, 2015. Collection method: clinical testing. Allele origin: germline.

GeneDx
Classification: Likely benign. Last evaluated: 2020-06-23. Review status: criteria provided, single submitter. Criteria: GeneDx Variant Classification Process June 2021. Collection method: clinical testing. Allele origin: germline. Affected: yes.

Ambry Genetics
Classification: Likely benign for Cardiovascular phenotype. Last evaluated: 2019-06-11. Review status: criteria provided, single submitter. Criteria: Ambry Variant Classification Scheme 2023. Collection method: clinical testing. Allele origin: germline.

NM_001367624.2(ZNF469):c.963C>T (p.Gly321=)

Gene: ZNF469 (zinc finger protein 469; plus strand). Cytogenetic location: 16q24.2.
Variant type: single nucleotide variant.
Coding change: c.963C>T on transcript NM_001367624.2 (MANE Select); coding-DNA position 963, C replaced by T.
Protein change: p.Gly321=; no amino-acid change (glycine 321 retained).
Molecular consequence: synonymous variant.
Genome position (GRCh38, 1-based): chr16:88,428,433, C>T. VCF-style: chr16-88428433-C-T. GRCh37 (hg19) VCF-style: chr16-88494841-C-T.
Other names: NM_001127464.1:c.963C>T; NM_001127464.2:c.963C>T; p.Gly321=.
Identifiers: ClinVar variation 509094 (VCV000509094.36), dbSNP rs758193918, ClinGen allele CA8224648.
Genomic context (GRCh38, chr16:88,428,433, plus strand): 5'-ACTGGTGTTTGCCTTCCATCAGCCCCAGGGAGCGTGGCCGGAGGAGGCCGTGGGCACGGG[C>T]CCTGCCTACCCGCTGCCCACCCAGCCTGCGCCCTCACCCCTGCCCTGCTACCAGGGCCAG-3'
Protein context (NP_001354553.1, residues 311-331): GAWPEEAVGT[Gly321=]PAYPLPTQPA